The following is an entry in ClinVar:

NM_005633.4(SOS1):c.2990T>C (p.Met997Thr)

Gene: SOS1 (SOS Ras/Rac guanine nucleotide exchange factor 1; minus strand). Cytogenetic location: 2p22.1.
Variant type: single nucleotide variant.
Coding change: c.2990T>C on transcript NM_005633.4 (MANE Select); coding-DNA position 2990, T replaced by C.
Protein change: p.Met997Thr; replaces methionine 997 with threonine.
Molecular consequence: missense variant.
Genome position (GRCh38, 1-based): chr2:38,997,013, A>G on the plus strand (T>C on the coding strand, the complement: SOS1 is on the minus strand). VCF-style: chr2-38997013-A-G. GRCh37 (hg19) VCF-style: chr2-39224154-A-G.
Other names: c.2969T>C, p.Met990Thr (NM_001382394.1); c.2990T>C, p.Met997Thr (NM_001382395.1); short protein forms M990T, M997T.
Identifiers: ClinVar variation 918159 (VCV000918159.11), dbSNP rs1321926273, ClinGen allele CA346361493.
Genomic context (GRCh38, chr2:38,997,013, plus strand): 5'-TCTATTTCTAGGGATTTGTTGAAAAGATAATCTGTAAATTCCTTCTCCATGCTATTTCCC[A>G]TCGGATTCAAGTTTTCAAAGAACCTCTAAAATAAATGCAAAGAAAAAATTATTAATATTC-3'
Protein context (NP_005624.2, residues 987-1007): IKRFFENLNP[Met997Thr]GNSMEKEFTD

ClinVar aggregate classification (germline): Conflicting classifications of pathogenicity. Review status: criteria provided, conflicting classifications (1 of 4 stars). 5 submissions from 4 submitters: Uncertain significance (4); Likely benign (1). Last evaluated 2025-05-01.

Conditions:
RASopathy. Also called: rasopathies; Noonan spectrum disorder. Identifiers: Orphanet 536391, MedGen C5555857, MONDO:0021060.
Fibromatosis, gingival, 1 (GINGF1). Identifiers: Orphanet 2024, MedGen C4551558, MONDO:0007609, OMIM 135300.
Noonan syndrome 4 (NS4). Also called: NOONAN SYNDROME WITH PIGMENTED VILLONODULAR SYNOVITIS; SOS1-Related Noonan Syndrome. Identifiers: Orphanet 648, MedGen C1853120, MONDO:0012547, OMIM 610733.

Allele frequency attached by ClinVar (database versions not stated): gnomAD exomes below 0.00001 and 0.00001; gnomAD 0.00001; TOPMed 0.00002.
gnomAD v4.1: 4 of 1,597,356 alleles (0.00025%); highest among the groups gnomAD compares: East Asian, 0.0045%; no homozygotes.

Submissions (5):

Labcorp Genetics (formerly Invitae), Labcorp
Classification: Likely benign for RASopathy. Last evaluated: 2025-05-01. Review status: criteria provided, single submitter. Criteria: Invitae Variant Classification Sherloc (09022015). Collection method: clinical testing. Allele origin: germline.

Laboratorio de Genetica e Diagnostico Molecular, Hospital Israelita Albert Einstein
Classification: Uncertain significance for Noonan syndrome 4. Last evaluated: 2021-11-16. Review status: criteria provided, single submitter. Criteria: ACMG Guidelines, 2015. Collection method: clinical testing. Allele origin: germline. Affected: yes.
Comment: ACMG classification criteria: PM2 moderate, BP4 supporting

Women's Health and Genetics/Laboratory Corporation of America, LabCorp
Classification: Uncertain significance. Last evaluated: 2020-10-01. Review status: criteria provided, single submitter. Criteria: LabCorp Variant Classification Summary - May 2015. Collection method: clinical testing. Allele origin: germline.
Comment: Variant summary: SOS1 c.2990T>C (p.Met997Thr) results in a non-conservative amino acid change located in the Ras guanine-nucleotide exchange factors catalytic domain of the encoded protein sequence. Three of five in-silico tools predict a benign effect of the variant on protein function. The variant allele was found at a frequency of 8e-06 in 250344 control chromosomes (gnomAD). The available data on variant occurrences in the general population are insufficient to allow any conclusion about variant significance. To our knowledge, no occurrence of c.2990T>C in individuals affected with Noonan Syndrome And Related Conditions and no experimental evidence demonstrating its impact on protein function have been reported. No clinical diagnostic laboratories have submitted clinical-significance assessments for this variant to ClinVar after 2014. Based on the evidence outlined above, the variant was classified as uncertain significance.

Genome-Nilou Lab
Classification: Uncertain significance for Noonan syndrome 4. Review status: criteria provided, single submitter. Criteria: ACMG Guidelines, 2015. Collection method: clinical testing. Allele origin: germline.

Genome-Nilou Lab
Classification: Uncertain significance for Fibromatosis, gingival, 1. Review status: criteria provided, single submitter. Criteria: ACMG Guidelines, 2015. Collection method: clinical testing. Allele origin: germline.